The following is an entry in ClinVar:

NM_001009999.3(KDM1A):c.448A>C (p.Lys150Gln)

Gene: KDM1A (lysine demethylase 1A; plus strand). Cytogenetic location: 1p36.12.
Variant type: single nucleotide variant.
Coding change: c.448A>C on transcript NM_001009999.3 (MANE Select); coding-DNA position 448, A replaced by C.
Protein change: p.Lys150Gln; replaces lysine 150 with glutamine.
Molecular consequence: missense variant.
Genome position (GRCh38, 1-based): chr1:23,030,565, A>C. VCF-style: chr1-23030565-A-C. GRCh37 (hg19) VCF-style: chr1-23357058-A-C.
Other names: c.448A>C, p.Lys150Gln (NM_001363654.2, NM_001410762.1, NM_001410763.1 and 1 more transcripts); short protein forms K150Q.
Identifiers: ClinVar variation 3532968 (VCV003532968.5).

ClinVar aggregate classification (germline): Conflicting classifications of pathogenicity. Review status: criteria provided, conflicting classifications (1 of 4 stars). 3 submissions from 3 submitters: Uncertain significance (2); Likely benign (1). Last evaluated 2026-08-04.

Conditions:
Inborn genetic diseases. Identifiers: MedGen C0950123, MeSH D030342.

gnomAD v4.1: 2 of 1,612,416 alleles (0.00012%); highest among the groups gnomAD compares: Non-Finnish European, 0.00017%; no homozygotes.

Submissions (3):

Ambry Genetics
Classification: Uncertain significance for Inborn genetic diseases. Last evaluated: 2026-08-04. Review status: criteria provided, single submitter. Criteria: Ambry Variant Classification Scheme 2023. Collection method: clinical testing. Allele origin: germline.
Comment: The c.448A>C (p.K150Q) alteration is located in exon 2 (coding exon 2) of the KDM1A gene. This alteration results from a A to C substitution at nucleotide position 448, causing the lysine (K) at amino acid position 150 to be replaced by a glutamine (Q). Based on data from gnomAD, the C allele has an overall frequency of <0.001% (1/249182) total alleles studied. The highest observed frequency was 0.001% (1/113114) of European (non-Finnish) alleles. Based on insufficient or conflicting evidence, the clinical significance of this alteration remains unclear.

Labcorp Genetics (formerly Invitae), Labcorp
Classification: Uncertain significance. Last evaluated: 2025-06-17. Review status: criteria provided, single submitter. Criteria: Invitae Variant Classification Sherloc (09022015). Collection method: clinical testing. Allele origin: germline.
Comment: This sequence change replaces lysine, which is basic and polar, with glutamine, which is neutral and polar, at codon 150 of the KDM1A protein (p.Lys150Gln). This variant is present in population databases (rs774665623, gnomAD 0.0009%). This variant has not been reported in the literature in individuals affected with KDM1A-related conditions. ClinVar contains an entry for this variant (Variation ID: 3532968). Invitae Evidence Modeling of protein sequence and biophysical properties (such as structural, functional, and spatial information, amino acid conservation, physicochemical variation, residue mobility, and thermodynamic stability) indicates that this missense variant is not expected to disrupt KDM1A protein function with a negative predictive value of 80%. In summary, the available evidence is currently insufficient to determine the role of this variant in disease. Therefore, it has been classified as a Variant of Uncertain Significance.

Blueprint Genetics
Classification: Likely benign. Last evaluated: 2022-07-25. Review status: criteria provided, single submitter. Criteria: ACMG Guidelines, 2015. Collection method: clinical testing. Allele origin: germline.